The following is an entry in ClinVar:

ClinVar aggregate classification (germline): Uncertain significance (1 of 4 stars; one submission).

gnomAD v4.1: 7 of 1,613,746 alleles (0.00043%); highest among the groups gnomAD compares: East Asian, 0.0089%; no homozygotes.

Submission:

Labcorp Genetics (formerly Invitae), Labcorp
Classification: Uncertain significance. Last evaluated: 2025-04-14. Review status: criteria provided, single submitter. Criteria: Invitae Variant Classification Sherloc (09022015). Collection method: clinical testing. Allele origin: germline.
Comment: This sequence change replaces isoleucine, which is neutral and non-polar, with methionine, which is neutral and non-polar, at codon 249 of the STT3A protein (p.Ile249Met). This variant is present in population databases (rs756480861, gnomAD 0.02%). This variant has not been reported in the literature in individuals affected with STT3A-related conditions. ClinVar contains an entry for this variant (Variation ID: 3603582). Invitae Evidence Modeling of protein sequence and biophysical properties (such as structural, functional, and spatial information, amino acid conservation, physicochemical variation, residue mobility, and thermodynamic stability) indicates that this missense variant is not expected to disrupt STT3A protein function with a negative predictive value of 80%. In summary, the available evidence is currently insufficient to determine the role of this variant in disease. Therefore, it has been classified as a Variant of Uncertain Significance.

NM_152713.5(STT3A):c.747A>G (p.Ile249Met)

Gene: STT3A (STT3 oligosaccharyltransferase complex catalytic subunit A; plus strand). Cytogenetic location: 11q24.2.
Variant type: single nucleotide variant.
Coding change: c.747A>G on transcript NM_152713.5 (MANE Select); coding-DNA position 747, A replaced by G.
Protein change: p.Ile249Met; replaces isoleucine 249 with methionine.
Molecular consequence: missense variant.
Genome position (GRCh38, 1-based): chr11:125,606,432, A>G. VCF-style: chr11-125606432-A-G. GRCh37 (hg19) VCF-style: chr11-125476327-A-G.
Other names: c.747A>G, p.Ile249Met (NM_001278503.2); c.471A>G, p.Ile157Met (NM_001278504.2); short protein forms I157M, I249M.
Identifiers: ClinVar variation 3603582 (VCV003603582.2).